The following is an entry in ClinVar:

NM_000393.5(COL5A2):c.553G>A (p.Asp185Asn)

Gene: COL5A2 (collagen type V alpha 2 chain; minus strand). Cytogenetic location: 2q32.2.
Variant type: single nucleotide variant.
Coding change: c.553G>A on transcript NM_000393.5 (MANE Select); coding-DNA position 553, G replaced by A.
Protein change: p.Asp185Asn; replaces aspartic acid 185 with asparagine.
Molecular consequence: missense variant.
Genome position (GRCh38, 1-based): chr2:189,092,324, C>T on the plus strand (G>A on the coding strand, the complement: COL5A2 is on the minus strand). VCF-style: chr2-189092324-C-T. GRCh37 (hg19) VCF-style: chr2-189957050-C-T.
Other names: short protein forms D185N.
Identifiers: ClinVar variation 640635 (VCV000640635.12), dbSNP rs775933907, ClinGen allele CA2023036.

ClinVar aggregate classification (germline): Conflicting classifications of pathogenicity. Review status: criteria provided, conflicting classifications (1 of 4 stars). 3 submissions from 3 submitters: Uncertain significance (2); Likely benign (1). Last evaluated 2025-08-29.

Conditions:
Ehlers-Danlos syndrome, classic type, 1 (EDSCL1). Also called: EDS I; EHLERS-DANLOS SYNDROME, GRAVIS TYPE; EHLERS-DANLOS SYNDROME, SEVERE CLASSIC TYPE; Ehlers-Danlos Syndrome, Classic Type, COL5A1-Related; Ehlers-Danlos syndrome, type 1. Identifiers: MedGen C0268335, MONDO:0019567, OMIM 130000.
Ehlers-Danlos syndrome, classic type, 2 (EDSCL2). Also called: Ehlers-Danlos Syndrome, Classic Type, COL5A2-Related; Ehlers-Danlos syndrome, type 2; Ehlers-Danlos syndrome type 2 (formerly). Identifiers: Orphanet 287, Orphanet 90318, MedGen C0268336, MONDO:0019568, OMIM 130010.
Familial thoracic aortic aneurysm and aortic dissection (TAAD). Also called: Thoracic aortic aneurysms and dissections. Identifiers: Orphanet 91387, MedGen C4707243, MONDO:0019625.

Allele frequency attached by ClinVar (database versions not stated): gnomAD exomes below 0.00001 and 0.00001; TOPMed below 0.00001; ExAC 0.00002.
gnomAD v4.1: 13 of 1,606,416 alleles (0.00081%); highest among the groups gnomAD compares: South Asian, 0.0011%; no homozygotes.

Submissions (3):

Labcorp Genetics (formerly Invitae), Labcorp
Classification: Likely benign for Ehlers-Danlos syndrome, classic type, 1. Last evaluated: 2025-08-29. Review status: criteria provided, single submitter. Criteria: Invitae Variant Classification Sherloc (09022015). Collection method: clinical testing. Allele origin: germline.

Ambry Genetics
Classification: Uncertain significance for Familial thoracic aortic aneurysm and aortic dissection. Last evaluated: 2025-05-01. Review status: criteria provided, single submitter. Criteria: Ambry Variant Classification Scheme 2023. Collection method: clinical testing. Allele origin: germline.
Comment: The p.D185N variant (also known as c.553G>A), located in coding exon 7 of the COL5A2 gene, results from a G to A substitution at nucleotide position 553. The aspartic acid at codon 185 is replaced by asparagine, an amino acid with highly similar properties. This amino acid position is highly conserved in available vertebrate species. In addition, this alteration is predicted to be tolerated by in silico analysis. Based on the available evidence, the clinical significance of this variant remains unclear.

Genetics and Molecular Pathology, SA Pathology
Classification: Uncertain significance for Ehlers-Danlos syndrome, classic type, 2. Last evaluated: 2022-06-14. Review status: criteria provided, single submitter. Criteria: ACMG Guidelines, 2015. Collection method: clinical testing. Allele origin: germline. Inheritance: Autosomal dominant inheritance. Affected: yes.